The following is an entry in ClinVar:

NM_003805.5(CRADD):c.52_59del (p.Ala18fs)

Gene: CRADD (CARD and death domain containing adaptor protein; plus strand). Cytogenetic location: 12q22.
Variant type: Deletion.
Coding change: c.52_59del on transcript NM_003805.5 (MANE Select); coding-DNA positions 52 to 59, 8 bases deleted (GCAGAGGT; older notation c.52_59delGCAGAGGT).
Protein change: p.Ala18fs; shifts the reading frame from alanine 18.
Molecular consequence: frameshift variant. On other transcripts: non-coding transcript variant (1).
Genome position (GRCh38, 1-based): chr12:93,678,826-93,678,833, GCAGAGGT deleted; deleting any 8 consecutive bases within chr12:93,678,823-93,678,833 gives the same sequence; the c. name uses the placement nearest the transcript's 3' end. VCF-style (leftmost placement, unchanged base first): chr12-93678822-GGGTGCAGA-G. GRCh37 (hg19) VCF-style: chr12-94072598-GGGTGCAGA-G.
Other names: c.52_59del, p.Ala18fs (NM_001320099.2, NM_001320100.2, NM_001320101.3 and 1 more transcripts); c.52_59del (NM_003805.4); short protein forms A18fs.
Identifiers: ClinVar variation 1458241 (VCV001458241.7), dbSNP rs764518202, ClinGen allele CA6720104.

ClinVar aggregate classification (germline): Pathogenic. Review status: criteria provided, multiple submitters, no conflicts (2 of 4 stars). 2 submissions from 2 submitters: Pathogenic (2). Last evaluated 2024-04-27.

Submissions (2):

Labcorp Genetics (formerly Invitae), Labcorp
Classification: Pathogenic. Last evaluated: 2024-04-27. Review status: criteria provided, single submitter. Criteria: Invitae Variant Classification Sherloc (09022015). Collection method: clinical testing. Allele origin: germline.
Comment: This sequence change creates a premature translational stop signal (p.Ala18Ilefs*47) in the CRADD gene. It is expected to result in an absent or disrupted protein product. Loss-of-function variants in CRADD are known to be pathogenic (PMID: 27773430). This variant is present in population databases (rs764518202, gnomAD 0.003%). This premature translational stop signal has been observed in individual(s) with lissencephaly (PMID: 28686357). ClinVar contains an entry for this variant (Variation ID: 1458241). For these reasons, this variant has been classified as Pathogenic.

GeneDx
Classification: Pathogenic. Last evaluated: 2023-09-19. Review status: criteria provided, single submitter. Criteria: GeneDx Variant Classification Process June 2021. Collection method: clinical testing. Allele origin: germline. Affected: yes.
Comment: Frameshift variant predicted to result in protein truncation or nonsense mediated decay in a gene for which loss of function is a known mechanism of disease; Not observed at significant frequency in large population cohorts (gnomAD); This variant is associated with the following publications: (PMID: 28686357, 37716905)

Literature cited by the submitters: PubMed 27773430 (cited by Labcorp Genetics (formerly Invitae), Labcorp); PubMed 28686357 (cited by Labcorp Genetics (formerly Invitae), Labcorp).